The following is an entry in ClinVar:

NM_001276345.2(TNNT2):c.771G>C (p.Lys257Asn)

Gene: TNNT2 (troponin T2, cardiac type; minus strand). Cytogenetic location: 1q32.1.
Variant type: single nucleotide variant.
Coding change: c.771G>C on transcript NM_001276345.2 (MANE Select); coding-DNA position 771, G replaced by C.
Protein change: p.Lys257Asn; replaces lysine 257 with asparagine.
Molecular consequence: missense variant.
Genome position (GRCh38, 1-based): chr1:201,361,318, C>G on the plus strand (G>C on the coding strand, the complement: TNNT2 is on the minus strand). VCF-style: chr1-201361318-C-G. GRCh37 (hg19) VCF-style: chr1-201330446-C-G.
Other names: c.642G>C, p.Lys214Asn (NM_001276346.2); c.741G>C, p.Lys247Asn (NM_001276347.2, NM_001001430.3, NM_001406724.1); c.762G>C, p.Lys254Asn (NM_001406723.1, NM_000364.4); c.732G>C, p.Lys244Asn (NM_001001431.3, NM_001406726.1, NM_001406727.1); c.723G>C, p.Lys241Asn (NM_001001432.3); c.738G>C, p.Lys246Asn (NM_001406725.1); c.726G>C, p.Lys242Asn (NM_001406728.1); short protein forms K242N, K254N, K241N, K244N, K246N, K214N, K257N, K247N.
Identifiers: ClinVar variation 2951177 (VCV002951177.3), dbSNP rs1658584255, ClinGen allele CA344202668.

ClinVar aggregate classification (germline): Uncertain significance (1 of 4 stars; one submission).

Conditions:
Dilated cardiomyopathy 1D. Identifiers: Orphanet 154, Orphanet 54260, MedGen C1832243, MONDO:0011095, OMIM 601494.
Cardiomyopathy, familial restrictive, 3. Identifiers: Orphanet 75249, MedGen C2676271, MONDO:0012900, OMIM 612422.
Hypertrophic cardiomyopathy 2. Also called: TNNT2-Related Familial Hypertrophic Cardiomyopathy. Identifiers: MedGen C1861864, MONDO:0007266, OMIM 115195.

Submission:

Labcorp Genetics (formerly Invitae), Labcorp
Classification: Uncertain significance for Cardiomyopathy, familial restrictive, 3; Hypertrophic cardiomyopathy 2; Dilated cardiomyopathy 1D. Last evaluated: 2023-12-14. Review status: criteria provided, single submitter. Criteria: Invitae Variant Classification Sherloc (09022015). Collection method: clinical testing. Allele origin: germline.
Comment: This sequence change replaces lysine, which is basic and polar, with asparagine, which is neutral and polar, at codon 247 of the TNNT2 protein (p.Lys247Asn). This variant is not present in population databases (gnomAD no frequency). This variant has not been reported in the literature in individuals affected with TNNT2-related conditions. Advanced modeling of protein sequence and biophysical properties (such as structural, functional, and spatial information, amino acid conservation, physicochemical variation, residue mobility, and thermodynamic stability) performed at Invitae indicates that this missense variant is expected to disrupt TNNT2 protein function with a positive predictive value of 95%. In summary, the available evidence is currently insufficient to determine the role of this variant in disease. Therefore, it has been classified as a Variant of Uncertain Significance.